The following is an entry in ClinVar:

NM_015107.3(PHF8):c.2199C>T (p.Ser733=)

Gene: PHF8 (PHD finger protein 8; minus strand). Cytogenetic location: Xp11.22.
Variant type: single nucleotide variant.
Coding change: c.2199C>T on transcript NM_015107.3 (MANE Select); coding-DNA position 2199, C replaced by T.
Protein change: p.Ser733=; no amino-acid change (serine 733 retained).
Molecular consequence: synonymous variant.
Genome position (GRCh38, 1-based): chrX:53,985,158, G>A on the plus strand (C>T on the coding strand, the complement: PHF8 is on the minus strand). VCF-style: chrX-53985158-G-A. GRCh37 (hg19) VCF-style: chrX-54011591-G-A.
Other names: c.2307C>T, p.Ser769= (NM_001184896.1); c.1896C>T, p.Ser632= (NM_001184897.2); c.2148C>T, p.Ser716= (NM_001184898.2).
Identifiers: ClinVar variation 436308 (VCV000436308.8), dbSNP rs201824053, ClinGen allele CA10423325.

ClinVar aggregate classification (germline): Likely benign. Review status: criteria provided, single submitter (1 of 4 stars). 2 submissions from 2 submitters: Likely benign (1). 1 of the submissions does not count toward it. Last evaluated 2016-02-01.

Conditions:
PHF8-related disorder. Also called: PHF8-related condition.

Allele frequency attached by ClinVar (database versions not stated): ExAC 0.00002; TOPMed 0.00004; gnomAD exomes 0.00006; gnomAD 0.00008 and 0.00009.
gnomAD v4.1: 189 of 1,204,853 alleles (0.016%); highest among the groups gnomAD compares: Non-Finnish European, 0.021%; no homozygotes.

Submissions (2):

Genetic Services Laboratory, University of Chicago
Classification: Likely benign. Last evaluated: 2016-02-01. Review status: criteria provided, single submitter. Criteria: ACMG Guidelines, 2015. Collection method: clinical testing. Allele origin: germline. Affected: no.

PreventionGenetics, part of Exact Sciences
Classification: Likely benign for PHF8-related condition. Last evaluated: 2019-06-19. Review status: no assertion criteria provided. Collection method: clinical testing. Allele origin: germline. Not counted in ClinVar's aggregate classification.
Comment: This variant is classified as likely benign based on ACMG/AMP sequence variant interpretation guidelines (Richards et al. 2015 PMID: 25741868, with internal and published modifications).